The following is an entry in ClinVar:

NM_001378454.1(ALMS1):c.3706T>G (p.Ser1236Ala)

Gene: ALMS1 (ALMS1 centrosome and basal body associated protein; plus strand). Cytogenetic location: 2p13.1.
Variant type: single nucleotide variant.
Coding change: c.3706T>G on transcript NM_001378454.1 (MANE Select); coding-DNA position 3706, T replaced by G.
Protein change: p.Ser1236Ala; replaces serine 1236 with alanine.
Molecular consequence: missense variant.
Genome position (GRCh38, 1-based): chr2:73,450,233, T>G. VCF-style: chr2-73450233-T-G. GRCh37 (hg19) VCF-style: chr2-73677360-T-G.
Other names: c.3709T>G, p.Ser1237Ala (NM_015120.4); short protein forms S1236A, S1237A.
Identifiers: ClinVar variation 3351361 (VCV003351361.1).

ClinVar aggregate classification (germline): Uncertain significance (0 of 4 stars; one submission).

Conditions:
ALMS1-related disorder. Also called: ALMS1-related condition.

Submission:

PreventionGenetics, part of Exact Sciences
Classification: Uncertain significance for ALMS1-related condition. Last evaluated: 2024-02-22. Review status: no assertion criteria provided. Collection method: clinical testing. Allele origin: germline.
Comment: The ALMS1 c.3709T>G variant is predicted to result in the amino acid substitution p.Ser1237Ala. To our knowledge, this variant has not been reported in the literature. This variant is reported in 0.0% of alleles in individuals of African descent in gnomAD. At this time, the clinical significance of this variant is uncertain due to the absence of conclusive functional and genetic evidence.